The following is an entry in ClinVar:

NM_000132.4(F8):c.2772A>G (p.Gly924=)

Gene: F8 (coagulation factor VIII; minus strand). Cytogenetic location: Xq28.
Variant type: single nucleotide variant.
Coding change: c.2772A>G on transcript NM_000132.4 (MANE Select); coding-DNA position 2772, A replaced by G.
Protein change: p.Gly924=; no amino-acid change (glycine 924 retained).
Molecular consequence: synonymous variant.
Genome position (GRCh38, 1-based): chrX:154,931,018, T>C on the plus strand (A>G on the coding strand, the complement: F8 is on the minus strand). VCF-style: chrX-154931018-T-C. GRCh37 (hg19) VCF-style: chrX-154159293-T-C.
Other names: p.Gly924=.
Identifiers: ClinVar variation 4684549 (VCV004684549.1).

ClinVar aggregate classification (germline): Likely benign (1 of 4 stars; one submission).

Submission:

Mayo Clinic Laboratories, Mayo Clinic
Classification: Likely benign. Last evaluated: 2024-12-15. Review status: criteria provided, single submitter. Criteria: ACMG Guidelines, 2015. Collection method: clinical testing. Allele origin: germline. Observed: 1 variant allele.
Comment: BP4, BP7, PM2_supporting